The following is an entry in ClinVar:

ClinVar aggregate classification (germline): Pathogenic/Likely pathogenic. Review status: criteria provided, multiple submitters, no conflicts (2 of 4 stars). 2 submissions from 2 submitters: Pathogenic (1); Likely pathogenic (1). Last evaluated 2026-08-31.

Conditions:
PKD1-related disorder. Also called: PKD1-related condition.
Polycystic kidney disease, adult type (PKD1). Also called: Polycystic Kidney Disease 1, Autosomal Dominant; Polycystic kidney disease 1; Polycystic kidney disease 1, severe; Polycystic Kidney, Autosomal Dominant; POLYCYSTIC KIDNEY DISEASE, ADULT, TYPE I; POLYCYSTIC KIDNEY DISEASE 1 WITH OR WITHOUT POLYCYSTIC LIVER DISEASE. Identifiers: MedGen C3149841, MONDO:0008263, OMIM 173900.

Submissions (2):

PreventionGenetics, part of Exact Sciences
Classification: Likely pathogenic for PKD1-related condition. Last evaluated: 2026-08-31. Review status: criteria provided, single submitter. Criteria: ACMG Guidelines, 2015. Collection method: clinical testing. Allele origin: germline.
Comment: The PKD1 c.7490-1G>C variant is predicted to disrupt the AG splice acceptor site and interfere with normal splicing. To our knowledge, this variant has not been reported in the literature or in a large population database (gnomAD), indicating this variant is rare. Variants that disrupt the consensus splice acceptor site in PKD1 are expected to be pathogenic. This variant is interpreted as likely pathogenic.

Fulgent Genetics
Classification: Pathogenic for Polycystic kidney disease, adult type. Last evaluated: 2024-04-20. Review status: criteria provided, single submitter. Criteria: ACMG Guidelines, 2015. Collection method: clinical testing. Allele origin: germline.

NM_001009944.3(PKD1):c.7490-1G>C

Gene: PKD1 (polycystin 1, transient receptor potential channel interacting; minus strand). Cytogenetic location: 16p13.3.
Variant type: single nucleotide variant.
Coding change: c.7490-1G>C on transcript NM_001009944.3 (MANE Select); the canonical splice acceptor site of the intron before coding-DNA position 7490, G replaced by C.
Molecular consequence: splice acceptor variant.
Genome position (GRCh38, 1-based): chr16:2,106,305, C>G on the plus strand (G>C on the coding strand, the complement: PKD1 is on the minus strand). VCF-style: chr16-2106305-C-G. GRCh37 (hg19) VCF-style: chr16-2156306-C-G.
Other names: c.7490-1G>C (NM_001009944.2, NM_000296.4).
Identifiers: ClinVar variation 3579261 (VCV003579261.2).